The following is an entry in ClinVar:

ClinVar aggregate classification (germline): Likely benign. Review status: criteria provided, multiple submitters, no conflicts (2 of 4 stars). 3 submissions from 3 submitters: Likely benign (3). Last evaluated 2026-09-21.

Conditions:
FLNC-related disorder. Also called: FLNC-related condition; FLNC-related disorders.
Distal myopathy with posterior leg and anterior hand involvement. Also called: WILLIAMS DISTAL MYOPATHY. Identifiers: Orphanet 63273, MedGen C3279722, MONDO:0013550, OMIM 614065.
Myofibrillar myopathy 5. Also called: Filaminopathy (type); FILAMINOPATHY, AUTOSOMAL DOMINANT. Identifiers: Orphanet 171445, MedGen C1836050, MONDO:0012289, OMIM 609524.
Hypertrophic cardiomyopathy 26. Also called: Cardiomyopathy, familial hypertrophic, 26. Identifiers: Orphanet 75249, MedGen C4310749, MONDO:0014883, OMIM 617047.

Allele frequency attached by ClinVar (database versions not stated): TOPMed 0.00001; ExAC 0.00001; gnomAD 0.00001; gnomAD exomes 0.00002; ESP Exome Variant Server 0.00008.
gnomAD v4.1: 7 of 1,613,782 alleles (0.00043%); highest among the groups gnomAD compares: Admixed American, 0.0017%; no homozygotes.

Submissions (3):

Molecular Diagnostic Laboratory for Inherited Cardiovascular Disease, Montreal Heart Institute
Classification: Likely benign. Last evaluated: 2026-09-21. Review status: criteria provided, single submitter. Criteria: ACMG Guidelines, 2015. Collection method: clinical testing. Allele origin: germline. Affected: no.

PreventionGenetics, part of Exact Sciences
Classification: Likely benign for FLNC-related condition. Last evaluated: 2025-12-23. Review status: criteria provided, single submitter. Criteria: ACMG Guidelines, 2015. Collection method: clinical testing. Allele origin: germline.
Comment: This variant is classified as likely benign based on ACMG/AMP sequence variant interpretation guidelines (Richards et al. 2015 PMID: 25741868, with internal and published modifications).

Labcorp Genetics (formerly Invitae), Labcorp
Classification: Likely benign for Distal myopathy with posterior leg and anterior hand involvement; Myofibrillar myopathy 5; Hypertrophic cardiomyopathy 26. Last evaluated: 2025-12-22. Review status: criteria provided, single submitter. Criteria: Invitae Variant Classification Sherloc (09022015). Collection method: clinical testing. Allele origin: germline.

NM_001458.5(FLNC):c.6209-10T>G

Genes: FLNC (filamin C; plus strand), FLNC-AS1 (FLNC antisense RNA 1; minus strand). Cytogenetic location: 7q32.1.
Variant type: single nucleotide variant.
Coding change: c.6209-10T>G on transcript NM_001458.5 (MANE Select); 10 bases into the intron before coding-DNA position 6209, T replaced by G.
Molecular consequence: intron variant.
Genome position (GRCh38, 1-based): chr7:128,853,459, T>G. VCF-style: chr7-128853459-T-G. GRCh37 (hg19) VCF-style: chr7-128493513-T-G.
Other names: c.6110-10T>G (NM_001127487.2).
Identifiers: ClinVar variation 763431 (VCV000763431.12), dbSNP rs377551753, ClinGen allele CA4475922.